The following is an entry in ClinVar:

NM_183075.3(CYP2U1):c.1630A>T (p.Arg544Ter)

Gene: CYP2U1 (cytochrome P450 family 2 subfamily U member 1; plus strand). Cytogenetic location: 4q25.
Variant type: single nucleotide variant.
Coding change: c.1630A>T on transcript NM_183075.3 (MANE Select); coding-DNA position 1630, A replaced by T.
Protein change: p.Arg544Ter; replaces arginine 544 with a stop codon.
Molecular consequence: nonsense.
Genome position (GRCh38, 1-based): chr4:107,950,418, A>T. VCF-style: chr4-107950418-A-T. GRCh37 (hg19) VCF-style: chr4-108871574-A-T.
Other names: short protein forms R544*.
Identifiers: ClinVar variation 572643 (VCV000572643.47), dbSNP rs772136947, ClinGen allele CA3037234.

ClinVar aggregate classification (germline): Uncertain significance. Review status: criteria provided, multiple submitters, no conflicts (2 of 4 stars). 5 submissions from 5 submitters: Uncertain significance (3). 2 of the submissions do not count toward it. Last evaluated 2022-08-16.

Conditions:
Spastic paraplegia. Identifiers: MedGen C0037772, HP:0001258.

Allele frequency attached by ClinVar (database versions not stated): ExAC 0.00001; gnomAD exomes 0.00003 and 0.00005; TOPMed 0.00003; gnomAD 0.00005.
gnomAD v4.1: 79 of 1,602,496 alleles (0.0049%); highest among the groups gnomAD compares: Non-Finnish European, 0.0065%; no homozygotes.

Submissions (5):

Labcorp Genetics (formerly Invitae), Labcorp
Classification: Uncertain significance for Spastic paraplegia. Last evaluated: 2022-08-16. Review status: criteria provided, single submitter. Criteria: Invitae Variant Classification Sherloc (09022015). Collection method: clinical testing. Allele origin: germline.
Comment: This sequence change creates a premature translational stop signal (p.Arg544*) in the CYP2U1 gene. While this is not anticipated to result in nonsense mediated decay, it is expected to disrupt the last 1 amino acid(s) of the CYP2U1 protein. This variant is present in population databases (rs772136947, gnomAD 0.006%). This variant has not been reported in the literature in individuals affected with CYP2U1-related conditions. ClinVar contains an entry for this variant (Variation ID: 572643). In summary, the available evidence is currently insufficient to determine the role of this variant in disease. Therefore, it has been classified as a Variant of Uncertain Significance.

CeGaT Center for Human Genetics Tuebingen
Classification: Uncertain significance. Last evaluated: 2019-05-01. Review status: criteria provided, single submitter. Criteria: CeGaT Center For Human Genetics Tuebingen Variant Classification Criteria Version 2. Collection method: clinical testing. Allele origin: germline. Affected: yes. Observed: 1 variant allele.

Breakthrough Genomics
Classification: Uncertain significance. Review status: criteria provided, single submitter. Criteria: ACMG Guidelines, 2015. Collection method: not provided. Allele origin: germline. Inheritance: Autosomal recessive inheritance. Affected: yes.

Clinical Genetics DNA and cytogenetics Diagnostics Lab, Erasmus MC, Erasmus Medical Center
Classification: Uncertain significance. Review status: no assertion criteria provided. Collection method: clinical testing. Allele origin: germline. Affected: yes. Study: VKGL Data-share Consensus. Not counted in ClinVar's aggregate classification.

Joint Genome Diagnostic Labs from Nijmegen and Maastricht, Radboudumc and MUMC+
Classification: Uncertain significance. Review status: no assertion criteria provided. Collection method: clinical testing. Allele origin: germline. Affected: yes. Study: VKGL Data-share Consensus. Not counted in ClinVar's aggregate classification.